The following is an entry in ClinVar:

NM_000899.5(KITLG):c.255G>C (p.Leu85=)

Gene: KITLG (KIT ligand; minus strand). Cytogenetic location: 12q21.32.
Variant type: single nucleotide variant.
Coding change: c.255G>C on transcript NM_000899.5 (MANE Select); coding-DNA position 255, G replaced by C.
Protein change: p.Leu85=; no amino-acid change (leucine 85 retained).
Molecular consequence: synonymous variant.
Genome position (GRCh38, 1-based): chr12:88,518,805, C>G on the plus strand (G>C on the coding strand, the complement: KITLG is on the minus strand). VCF-style: chr12-88518805-C-G. GRCh37 (hg19) VCF-style: chr12-88912582-C-G.
Other names: c.255G>C, p.Leu85= (NM_003994.6).
Identifiers: ClinVar variation 929967 (VCV000929967.4), dbSNP rs767292529, ClinGen allele CA6713732.

ClinVar aggregate classification (germline): Likely benign (1 of 4 stars; one submission).

Allele frequency attached by ClinVar (database versions not stated): gnomAD exomes 0.00001; ExAC 0.00001.

Submission:

Laboratory for Molecular Medicine, Mass General Brigham Personalized Medicine
Classification: Likely benign. Last evaluated: 2019-04-19. Review status: criteria provided, single submitter. Criteria: LMM Criteria. Collection method: clinical testing. Allele origin: germline. Observed: 1 variant allele.
Comment: The p.Leu85Leu variant in KITLG is classified as likely benign because it does not alter an amino acid residue, it is not located within the splice consensus sequence, and splice prediction algorithms do not predict a newly created splice site. ACMG/AMP Criteria applied: BP4, BP7.